The following is an entry in ClinVar:

ClinVar aggregate classification (germline): Uncertain significance. Review status: criteria provided, multiple submitters, no conflicts (2 of 4 stars). 2 submissions from 2 submitters: Uncertain significance (2). Last evaluated 2022-08-05.

Conditions:
Inborn genetic diseases. Identifiers: MedGen C0950123, MeSH D030342.

Allele frequency attached by ClinVar (database versions not stated): ExAC 0.00004; gnomAD exomes 0.00007; ESP Exome Variant Server 0.00008; gnomAD 0.00009; TOPMed 0.00009.
gnomAD v4.1: 131 of 1,612,786 alleles (0.0081%); highest among the groups gnomAD compares: Admixed American, 0.02%; no homozygotes.

Submissions (2):

Labcorp Genetics (formerly Invitae), Labcorp
Classification: Uncertain significance. Last evaluated: 2022-08-05. Review status: criteria provided, single submitter. Criteria: Invitae Variant Classification Sherloc (09022015). Collection method: clinical testing. Allele origin: germline.
Comment: This sequence change replaces threonine, which is neutral and polar, with isoleucine, which is neutral and non-polar, at codon 301 of the PIGB protein (p.Thr301Ile). This variant is present in population databases (rs374803936, gnomAD 0.07%). This variant has not been reported in the literature in individuals affected with PIGB-related conditions. Algorithms developed to predict the effect of missense changes on protein structure and function (SIFT, PolyPhen-2, Align-GVGD) all suggest that this variant is likely to be tolerated. In summary, the available evidence is currently insufficient to determine the role of this variant in disease. Therefore, it has been classified as a Variant of Uncertain Significance.

Ambry Genetics
Classification: Uncertain significance for Inborn genetic diseases. Last evaluated: 2021-09-28. Review status: criteria provided, single submitter. Criteria: Ambry Variant Classification Scheme 2023. Collection method: clinical testing. Allele origin: germline.

NM_004855.5(PIGB):c.902C>T (p.Thr301Ile)

Gene: PIGB (phosphatidylinositol glycan anchor biosynthesis class B; plus strand). Cytogenetic location: 15q21.3.
Variant type: single nucleotide variant.
Coding change: c.902C>T on transcript NM_004855.5 (MANE Select); coding-DNA position 902, C replaced by T.
Protein change: p.Thr301Ile; replaces threonine 301 with isoleucine.
Molecular consequence: missense variant.
Genome position (GRCh38, 1-based): chr15:55,340,667, C>T. VCF-style: chr15-55340667-C-T. GRCh37 (hg19) VCF-style: chr15-55632865-C-T.
Other names: c.902C>T (NM_004855.4); short protein forms T301I.
Identifiers: ClinVar variation 2178215 (VCV002178215.2), dbSNP rs374803936, ClinGen allele CA7573967.
Genomic context (GRCh38, chr15:55,340,667, plus strand): 5'-GCCAGTGGACTCTGGTTCAATTTAATTTTTTGAAATTTAACGTGCTGCAGAACTGGGGAA[C>T]ATTTTATGGTTCTCATCCATGGCACTGGTACTTCAGTCAAGGATTTCCAGTTATCTTGGG-3'
Protein context (NP_004846.4, residues 291-311): LKFNVLQNWG[Thr301Ile]FYGSHPWHWY